The following is an entry in ClinVar:

ClinVar aggregate classification (germline): Uncertain significance. Review status: criteria provided, multiple submitters, no conflicts (2 of 4 stars). 3 submissions from 3 submitters: Uncertain significance (3). Last evaluated 2026-02-07.

Conditions:
Arrhythmogenic cardiomyopathy with wooly hair and keratoderma. Also called: Arrhythmogenic cardiomyopathy with woolly hair and keratoderma; PALMOPLANTAR KERATODERMA WITH LEFT VENTRICULAR CARDIOMYOPATHY AND WOOLLY HAIR; Carvajal syndrome; Dilated cardiomyopathy with woolly hair and keratoderma. Identifiers: Orphanet 65282, MedGen C1854063, MONDO:0011581, OMIM 605676.
Arrhythmogenic right ventricular dysplasia 8 (ARVD8). Also called: Arrhythmogenic Right Ventricular Dysplasia/Cardiomyopathy 8; ARRHYTHMOGENIC RIGHT VENTRICULAR DYSPLASIA, FAMILIAL, 8; ARRHYTHMOGENIC RIGHT VENTRICULAR CARDIOMYOPATHY 8. Identifiers: MedGen C1843896, MONDO:0011831, OMIM 607450.

Allele frequency attached by ClinVar (database versions not stated): gnomAD exomes below 0.00001; ExAC 0.00001.

Submissions (3):

Women's Health and Genetics/Laboratory Corporation of America, LabCorp
Classification: Uncertain significance. Last evaluated: 2026-02-07. Review status: criteria provided, single submitter. Criteria: LabCorp Variant Classification Summary - May 2015. Collection method: clinical testing. Allele origin: germline.

Blueprint Genetics
Classification: Uncertain significance. Last evaluated: 2024-09-02. Review status: criteria provided, single submitter. Criteria: ACMG Guidelines, 2015. Collection method: clinical testing. Allele origin: germline.

Labcorp Genetics (formerly Invitae), Labcorp
Classification: Uncertain significance for Arrhythmogenic cardiomyopathy with wooly hair and keratoderma; Arrhythmogenic right ventricular dysplasia 8. Last evaluated: 2021-12-26. Review status: criteria provided, single submitter. Criteria: Invitae Variant Classification Sherloc (09022015). Collection method: clinical testing. Allele origin: germline.
Comment: This variant is present in population databases (rs749317365, gnomAD 0.0009%). This sequence change replaces isoleucine, which is neutral and non-polar, with threonine, which is neutral and polar, at codon 1770 of the DSP protein (p.Ile1770Thr). Algorithms developed to predict the effect of missense changes on protein structure and function (SIFT, PolyPhen-2, Align-GVGD) all suggest that this variant is likely to be disruptive. This variant has not been reported in the literature in individuals affected with DSP-related conditions. In summary, the available evidence is currently insufficient to determine the role of this variant in disease. Therefore, it has been classified as a Variant of Uncertain Significance.

NM_004415.4(DSP):c.5309T>C (p.Ile1770Thr)

Gene: DSP (desmoplakin; plus strand). Cytogenetic location: 6p24.3.
Variant type: single nucleotide variant.
Coding change: c.5309T>C on transcript NM_004415.4 (MANE Select); coding-DNA position 5309, T replaced by C.
Protein change: p.Ile1770Thr; replaces isoleucine 1770 with threonine.
Molecular consequence: missense variant. On other transcripts: intron variant (2).
Genome position (GRCh38, 1-based): chr6:7,581,499, T>C. VCF-style: chr6-7581499-T-C. GRCh37 (hg19) VCF-style: chr6-7581732-T-C.
Other names: c.4051-1143T>C (NM_001319034.2); c.3583-1143T>C (NM_001008844.3); short protein forms I1770T.
Identifiers: ClinVar variation 1932298 (VCV001932298.7), dbSNP rs749317365, ClinGen allele CA044612.
Genomic context (GRCh38, chr6:7,581,499, plus strand): 5'-TGGAACTAAGGAGCCAGCTGCAGATCAGCAACAACCGGACCCTGGAACTGCAGGGGCTGA[T>C]TAATGATTTACAGAGAGAGAGGGAAAATTTGAGACAGGAAATTGAGAAATTCCAAAAGCA-3'
Protein context (NP_004406.2, residues 1760-1780): NNRTLELQGL[Ile1770Thr]NDLQRERENL